The following is an entry in ClinVar:

NM_001853.4(COL9A3):c.1267C>T (p.Arg423Ter)

Gene: COL9A3 (collagen type IX alpha 3 chain; plus strand). Cytogenetic location: 20q13.33.
Variant type: single nucleotide variant.
Coding change: c.1267C>T on transcript NM_001853.4 (MANE Select); coding-DNA position 1267, C replaced by T.
Protein change: p.Arg423Ter; replaces arginine 423 with a stop codon.
Molecular consequence: nonsense.
Genome position (GRCh38, 1-based): chr20:62,830,568, C>T. VCF-style: chr20-62830568-C-T. GRCh37 (hg19) VCF-style: chr20-61461920-C-T.
Other names: short protein forms R423*.
Identifiers: ClinVar variation 3009946 (VCV003009946.3), dbSNP rs761166747, ClinGen allele CA9949855.
Genomic context (GRCh38, chr20:62,830,568, plus strand): 5'-CTTCCCCAGGGCCAGAAGGGCAGCATGGGAGACCCCGGCCTTCCAGGCCCCCAGGGCCTC[C>T]GAGGTGACGTGGGCGACCGGGTAAGTGGCCCTCTCAGCAGGAAGCTCCCCTGCACCCCCT-3'

ClinVar aggregate classification (germline): Pathogenic (1 of 4 stars; one submission).

Allele frequency attached by ClinVar (database versions not stated): ExAC 0.00001.
gnomAD v4.1: 11 of 1,605,420 alleles (0.00069%); highest among the groups gnomAD compares: Non-Finnish European, 0.00085%; no homozygotes.

Submission:

Labcorp Genetics (formerly Invitae), Labcorp
Classification: Pathogenic. Last evaluated: 2025-06-22. Review status: criteria provided, single submitter. Criteria: Invitae Variant Classification Sherloc (09022015). Collection method: clinical testing. Allele origin: germline.
Comment: This sequence change creates a premature translational stop signal (p.Arg423*) in the COL9A3 gene. It is expected to result in an absent or disrupted protein product. Loss-of-function variants in COL9A3 are known to be pathogenic (PMID: 24273071, 31090205). The frequency data for this variant in the population databases is considered unreliable, as metrics indicate poor data quality at this position in the gnomAD database. This variant has not been reported in the literature in individuals affected with COL9A3-related conditions. ClinVar contains an entry for this variant (Variation ID: 3009946). For these reasons, this variant has been classified as Pathogenic.

Literature cited by the submitters: PubMed 24273071; PubMed 31090205.